The following is an entry in ClinVar:

ClinVar aggregate classification (germline): Likely pathogenic (1 of 4 stars; one submission).

Submission:

Labcorp Genetics (formerly Invitae), Labcorp
Classification: Likely pathogenic. Last evaluated: 2024-03-20. Review status: criteria provided, single submitter. Criteria: Invitae Variant Classification Sherloc (09022015). Collection method: clinical testing. Allele origin: germline.
Comment: This sequence change affects an acceptor splice site in intron 35 of the NALCN gene. It is expected to disrupt RNA splicing. Variants that disrupt the donor or acceptor splice site typically lead to a loss of protein function (PMID: 16199547), and loss-of-function variants in NALCN are known to be pathogenic (PMID: 23749988, 24075186). This variant is not present in population databases (gnomAD no frequency). This variant has not been reported in the literature in individuals affected with NALCN-related conditions. Algorithms developed to predict the effect of sequence changes on RNA splicing suggest that this variant may disrupt the consensus splice site. In summary, the currently available evidence indicates that the variant is pathogenic, but additional data are needed to prove that conclusively. Therefore, this variant has been classified as Likely Pathogenic.

Literature cited by the submitters: PubMed 16199547; PubMed 23749988; PubMed 24075186.

NM_052867.4(NALCN):c.3955-2A>C

Gene: NALCN (sodium leak channel, non-selective; minus strand). Cytogenetic location: 13q32.3.
Variant type: single nucleotide variant.
Coding change: c.3955-2A>C on transcript NM_052867.4 (MANE Select); the canonical splice acceptor site of the intron before coding-DNA position 3955, A replaced by C.
Molecular consequence: splice acceptor variant.
Genome position (GRCh38, 1-based): chr13:101,074,664, T>G on the plus strand (A>C on the coding strand, the complement: NALCN is on the minus strand). VCF-style: chr13-101074664-T-G. GRCh37 (hg19) VCF-style: chr13-101727015-T-G.
Other names: c.3868-2A>C (NM_001350751.2, NM_001350750.2); c.3955-2A>C (NM_001350749.2); c.4042-2A>C (NM_001350748.2).
Identifiers: ClinVar variation 3646967 (VCV003646967.2).